The following is an entry in ClinVar:

ClinVar aggregate classification (germline): Uncertain significance. Review status: criteria provided, multiple submitters, no conflicts (2 of 4 stars). 2 submissions from 2 submitters: Uncertain significance (2). Last evaluated 2025-08-04.

Submissions (2):

Labcorp Genetics (formerly Invitae), Labcorp
Classification: Uncertain significance. Last evaluated: 2025-08-04. Review status: criteria provided, single submitter. Criteria: Invitae Variant Classification Sherloc (09022015). Collection method: clinical testing. Allele origin: germline.
Comment: This sequence change replaces alanine, which is neutral and non-polar, with valine, which is neutral and non-polar, at codon 843 of the SLCO5A1 protein (p.Ala843Val). This variant is not present in population databases (gnomAD no frequency). This variant has not been reported in the literature in individuals affected with SLCO5A1-related conditions. ClinVar contains an entry for this variant (Variation ID: 2121415). An algorithm developed to predict the effect of missense changes on protein structure and function (PolyPhen-2) suggests that this variant is likely to be tolerated. In summary, the available evidence is currently insufficient to determine the role of this variant in disease. Therefore, it has been classified as a Variant of Uncertain Significance.

Ambry Genetics
Classification: Uncertain significance. Last evaluated: 2023-02-23. Review status: criteria provided, single submitter. Criteria: Ambry Variant Classification Scheme 2023. Collection method: clinical testing. Allele origin: germline.

NM_030958.3(SLCO5A1):c.2528C>T (p.Ala843Val)

Gene: SLCO5A1 (solute carrier organic anion transporter family member 5A1; minus strand). Cytogenetic location: 8q13.3.
Variant type: single nucleotide variant.
Coding change: c.2528C>T on transcript NM_030958.3 (MANE Select); coding-DNA position 2528, C replaced by T.
Protein change: p.Ala843Val; replaces alanine 843 with valine.
Molecular consequence: missense variant. On other transcripts: 3 prime UTR variant (1).
Genome position (GRCh38, 1-based): chr8:69,672,888, G>A on the plus strand (C>T on the coding strand, the complement: SLCO5A1 is on the minus strand). VCF-style: chr8-69672888-G-A. GRCh37 (hg19) VCF-style: chr8-70585123-G-A.
Other names: c.2528C>T (NM_030958.2); c.*399C>T (NM_001146008.2); c.2363C>T, p.Ala788Val (NM_001146009.1); short protein forms A788V, A843V.
Identifiers: ClinVar variation 2121415 (VCV002121415.6), dbSNP rs2487260894, ClinGen allele CA371231758.
Genomic context (GRCh38, chr8:69,672,888, plus strand): 5'-TCAATTCAACCAACAAAACTAAATTCTTCCATTTTCAAGCTTCAGGAGGGCGGCTCCAAG[G>A]CAGCGGGGCTCTCTTCCAGCCCCGGGTCCGCAGAGGAACTTATTGCTTCTGGGAAGGGCC-3'
Protein context (NP_112220.2, residues 833-848): ADPGLEESPA[Ala843Val]LEPPS